The following is an entry in ClinVar:

ClinVar aggregate classification (germline): Uncertain significance (1 of 4 stars; one submission).

Conditions:
Frontotemporal dementia and/or amyotrophic lateral sclerosis 4. Also called: FTDALS4. Identifiers: Orphanet 275872, MedGen C4225325, MONDO:0014641, OMIM 616439.

Submission:

Labcorp Genetics (formerly Invitae), Labcorp
Classification: Uncertain significance for Frontotemporal dementia and/or amyotrophic lateral sclerosis 4. Last evaluated: 2024-10-02. Review status: criteria provided, single submitter. Criteria: Invitae Variant Classification Sherloc (09022015). Collection method: clinical testing. Allele origin: germline.
Comment: This sequence change replaces glutamine, which is neutral and polar, with arginine, which is basic and polar, at codon 169 of the TBK1 protein (p.Gln169Arg). The frequency data for this variant in the population databases is considered unreliable, as metrics indicate poor data quality at this position in the gnomAD database. This variant has not been reported in the literature in individuals affected with TBK1-related conditions. Invitae Evidence Modeling of protein sequence and biophysical properties (such as structural, functional, and spatial information, amino acid conservation, physicochemical variation, residue mobility, and thermodynamic stability) indicates that this missense variant is not expected to disrupt TBK1 protein function with a negative predictive value of 95%. In summary, the available evidence is currently insufficient to determine the role of this variant in disease. Therefore, it has been classified as a Variant of Uncertain Significance.

NM_013254.4(TBK1):c.506A>G (p.Gln169Arg)

Gene: TBK1 (TANK binding kinase 1; plus strand). Cytogenetic location: 12q14.2.
Variant type: single nucleotide variant.
Coding change: c.506A>G on transcript NM_013254.4 (MANE Select); coding-DNA position 506, A replaced by G.
Protein change: p.Gln169Arg; replaces glutamine 169 with arginine.
Molecular consequence: missense variant.
Genome position (GRCh38, 1-based): chr12:64,467,048, A>G. VCF-style: chr12-64467048-A-G. GRCh37 (hg19) VCF-style: chr12-64860828-A-G.
Other names: short protein forms Q169R.
Identifiers: ClinVar variation 3638774 (VCV003638774.2).